The following is an entry in ClinVar:

NM_001077418.3(TMEM231):c.169del (p.Glu57fs)

Genes: TMEM231 (transmembrane protein 231; minus strand), LOC130059440 (ATAC-STARR-seq lymphoblastoid silent region 7724; plus strand). Cytogenetic location: 16q23.1.
Variant type: Deletion.
Coding change: c.169del on transcript NM_001077418.3 (MANE Select); coding-DNA position 169, one base deleted (G; older notation c.169delG).
Protein change: p.Glu57fs; shifts the reading frame from glutamic acid 57.
Molecular consequence: frameshift variant. On other transcripts: non-coding transcript variant (1).
Genome position (GRCh38, 1-based): chr16:75,555,944, C deleted on the plus strand (G on the coding strand, the reverse complement: TMEM231 is on the minus strand); the first of 2 consecutive C bases (chr16:75,555,944-75,555,945); deleting either gives the same sequence. VCF-style (leftmost placement, unchanged base first): chr16-75555943-TC-T. GRCh37 (hg19) VCF-style: chr16-75589841-TC-T.
Other names: c.328del, p.Glu110fs (NM_001077416.2); short protein forms E110fs, E57fs.
Identifiers: ClinVar variation 4788994 (VCV004788994.2).
Genomic context (GRCh38, chr16:75,555,943, plus strand): 5'-CTTTCGGGTCCGAGCAGGGCCACGAGCAGCACCTGGTGTTGGAAGCGCACGGTCGGCTGC[TC>T]CTCGTAGCTGCTCCGCTTCAGCCAAAACCCTGAGTTAAAGAGGGCGGTAGGGAGGCGGTT-3'

ClinVar aggregate classification (germline): Pathogenic/Likely pathogenic. Review status: criteria provided, multiple submitters, no conflicts (2 of 4 stars). 2 submissions from 2 submitters: Pathogenic (1); Likely pathogenic (1). Last evaluated 2026-01-11.

Conditions:
Joubert syndrome 20 (JBTS20). Identifiers: Orphanet 475, MedGen C3554235, MONDO:0013994, OMIM 614970.
Meckel syndrome, type 11 (MKS11). Identifiers: Orphanet 564, MedGen C3809352, MONDO:0014164, OMIM 615397.
TMEM231-related disorder. Also called: TMEM231-related condition.

Submissions (2):

Labcorp Genetics (formerly Invitae), Labcorp
Classification: Pathogenic for Joubert syndrome 20; Meckel syndrome, type 11. Last evaluated: 2026-01-11. Review status: criteria provided, single submitter. Criteria: Invitae Variant Classification Sherloc (09022015). Collection method: clinical testing. Allele origin: germline.
Comment: This sequence change creates a premature translational stop signal (p.Glu110Serfs*83) in the TMEM231 gene. It is expected to result in an absent or disrupted protein product. Loss-of-function variants in TMEM231 are known to be pathogenic (PMID: 23012439, 23349226). This variant is present in population databases (rs780308245, gnomAD 0.02%). This variant has not been reported in the literature in individuals affected with TMEM231-related conditions. For these reasons, this variant has been classified as Pathogenic.

Blueprint Genetics
Classification: Likely pathogenic for TMEM231-related disorders. Last evaluated: 2018-08-10. Review status: criteria provided, single submitter. Criteria: ACMG Guidelines, 2015. Collection method: clinical testing. Allele origin: germline. Affected: yes. Observed: 1 variant allele.

Literature cited by the submitters: PubMed 23012439 (cited by Labcorp Genetics (formerly Invitae), Labcorp); PubMed 23349226 (cited by Labcorp Genetics (formerly Invitae), Labcorp).